The following is an entry in ClinVar:

ClinVar aggregate classification (germline): Uncertain significance (1 of 4 stars; one submission).

Conditions:
Hypertrophic cardiomyopathy 12. Identifiers: MedGen C2677491, MONDO:0012804, OMIM 612124.
Dilated cardiomyopathy 1M (CMD1M). Identifiers: Orphanet 154, MedGen C1843808, MONDO:0011840, OMIM 607482.

Submission:

Labcorp Genetics (formerly Invitae), Labcorp
Classification: Uncertain significance for Hypertrophic cardiomyopathy 12; Dilated cardiomyopathy 1M. Last evaluated: 2023-10-28. Review status: criteria provided, single submitter. Criteria: Invitae Variant Classification Sherloc (09022015). Collection method: clinical testing. Allele origin: germline.
Comment: This sequence change replaces glutamic acid, which is acidic and polar, with lysine, which is basic and polar, at codon 53 of the CSRP3 protein (p.Glu53Lys). This variant is not present in population databases (gnomAD no frequency). This variant has not been reported in the literature in individuals affected with CSRP3-related conditions. An algorithm developed to predict the effect of missense changes on protein structure and function (PolyPhen-2) suggests that this variant is likely to be tolerated. In summary, the available evidence is currently insufficient to determine the role of this variant in disease. Therefore, it has been classified as a Variant of Uncertain Significance.

NM_003476.5(CSRP3):c.157G>A (p.Glu53Lys)

Gene: CSRP3 (cysteine and glycine rich protein 3; minus strand). Cytogenetic location: 11p15.1.
Variant type: single nucleotide variant.
Coding change: c.157G>A on transcript NM_003476.5 (MANE Select); coding-DNA position 157, G replaced by A.
Protein change: p.Glu53Lys; replaces glutamic acid 53 with lysine.
Molecular consequence: missense variant. On other transcripts: intron variant (1).
Genome position (GRCh38, 1-based): chr11:19,188,260, C>T on the plus strand (G>A on the coding strand, the complement: CSRP3 is on the minus strand). VCF-style: chr11-19188260-C-T. GRCh37 (hg19) VCF-style: chr11-19209807-C-T.
Other names: c.157G>A, p.Glu53Lys (NM_001127656.1); c.113-1912G>A (NM_001369404.1); short protein forms E53K.
Identifiers: ClinVar variation 2953354 (VCV002953354.3), dbSNP rs2494223594, ClinGen allele CA379888367.